The following is an entry in ClinVar:

ClinVar aggregate classification (germline): Uncertain significance (1 of 4 stars; one submission).

Submission:

Labcorp Genetics (formerly Invitae), Labcorp
Classification: Uncertain significance. Last evaluated: 2022-04-22. Review status: criteria provided, single submitter. Criteria: Invitae Variant Classification Sherloc (09022015). Collection method: clinical testing. Allele origin: germline.
Comment: Algorithms developed to predict the effect of missense changes on protein structure and function are either unavailable or do not agree on the potential impact of this missense change (SIFT: "Tolerated"; PolyPhen-2: "Not Available"; Align-GVGD: "Class C0"). In summary, the available evidence is currently insufficient to determine the role of this variant in disease. Therefore, it has been classified as a Variant of Uncertain Significance. This variant has not been reported in the literature in individuals affected with PDZD7-related conditions. This variant is not present in population databases (gnomAD no frequency). This sequence change replaces valine, which is neutral and non-polar, with methionine, which is neutral and non-polar, at codon 884 of the PDZD7 protein (p.Val884Met).

NM_001195263.2(PDZD7):c.2650G>A (p.Val884Met)

Gene: PDZD7 (PDZ domain containing 7; minus strand). Cytogenetic location: 10q24.31.
Variant type: single nucleotide variant.
Coding change: c.2650G>A on transcript NM_001195263.2 (MANE Select); coding-DNA position 2650, G replaced by A.
Protein change: p.Val884Met; replaces valine 884 with methionine.
Molecular consequence: missense variant.
Genome position (GRCh38, 1-based): chr10:101,009,318, C>T on the plus strand (G>A on the coding strand, the complement: PDZD7 is on the minus strand). VCF-style: chr10-101009318-C-T. GRCh37 (hg19) VCF-style: chr10-102769075-C-T.
Other names: short protein forms V884M.
Identifiers: ClinVar variation 2129457 (VCV002129457.4), dbSNP rs2492774233, ClinGen allele CA378223650.